The following is an entry in ClinVar:

ClinVar aggregate classification (germline): Uncertain significance. Review status: criteria provided, multiple submitters, no conflicts (2 of 4 stars). 2 submissions from 2 submitters: Uncertain significance (2). Last evaluated 2024-12-09.

Conditions:
Epileptic encephalopathy. Identifiers: MedGen C0543888, HP:0200134.

gnomAD v4.1: 12 of 1,614,012 alleles (0.00074%); highest among the groups gnomAD compares: Non-Finnish European, 0.001%; no homozygotes.

Submissions (2):

Ambry Genetics
Classification: Uncertain significance. Last evaluated: 2024-12-09. Review status: criteria provided, single submitter. Criteria: Ambry Variant Classification Scheme 2023. Collection method: clinical testing. Allele origin: germline.

Labcorp Genetics (formerly Invitae), Labcorp
Classification: Uncertain significance for Epileptic encephalopathy. Last evaluated: 2020-01-14. Review status: criteria provided, single submitter. Criteria: Invitae Variant Classification Sherloc (09022015). Collection method: clinical testing. Allele origin: germline.
Comment: In summary, the available evidence is currently insufficient to determine the role of this variant in disease. Therefore, it has been classified as a Variant of Uncertain Significance. Algorithms developed to predict the effect of sequence changes on RNA splicing suggest that this variant may create or strengthen a splice site, but this prediction has not been confirmed by published transcriptional studies. Algorithms developed to predict the effect of missense changes on protein structure and function are either unavailable or do not agree on the potential impact of this missense change (SIFT: "Deleterious"; PolyPhen-2: "Benign"; Align-GVGD: "Class C0"). This variant has not been reported in the literature in individuals with RYR3-related conditions. This variant is not present in population databases (ExAC no frequency). This sequence change replaces aspartic acid with glutamic acid at codon 1645 of the RYR3 protein (p.Asp1645Glu). The aspartic acid residue is highly conserved and there is a small physicochemical difference between aspartic acid and glutamic acid.

NM_001036.6(RYR3):c.4935C>A (p.Asp1645Glu)

Gene: RYR3 (ryanodine receptor 3; plus strand). Cytogenetic location: 15q14.
Variant type: single nucleotide variant.
Coding change: c.4935C>A on transcript NM_001036.6 (MANE Select); coding-DNA position 4935, C replaced by A.
Protein change: p.Asp1645Glu; replaces aspartic acid 1645 with glutamic acid.
Molecular consequence: missense variant.
Genome position (GRCh38, 1-based): chr15:33,662,465, C>A. VCF-style: chr15-33662465-C-A. GRCh37 (hg19) VCF-style: chr15-33954666-C-A.
Other names: c.4935C>A, p.Asp1645Glu (NM_001243996.4); c.4935C>A (NM_001036.3); short protein forms D1645E.
Identifiers: ClinVar variation 1003023 (VCV001003023.10), dbSNP rs755738535, ClinGen allele CA391570499.